The following is an entry in ClinVar:

NM_003482.4(KMT2D):c.14354T>C (p.Met4785Thr)

Gene: KMT2D (lysine methyltransferase 2D; minus strand). Cytogenetic location: 12q13.12.
Variant type: single nucleotide variant.
Coding change: c.14354T>C on transcript NM_003482.4 (MANE Select); coding-DNA position 14354, T replaced by C.
Protein change: p.Met4785Thr; replaces methionine 4785 with threonine.
Molecular consequence: missense variant.
Genome position (GRCh38, 1-based): chr12:49,028,856, A>G on the plus strand (T>C on the coding strand, the complement: KMT2D is on the minus strand). VCF-style: chr12-49028856-A-G. GRCh37 (hg19) VCF-style: chr12-49422639-A-G.
Other names: short protein forms M4785T.
Identifiers: ClinVar variation 1805616 (VCV001805616.1), dbSNP rs763182228, ClinGen allele CA6545776.
Genomic context (GRCh38, chr12:49,028,856, plus strand): 5'-CCCCTCAGCCTCGAGGTACCCCTAGGACACACCTTGGCTGCAGCAGCAGAGACTGTGAGC[A>G]TGACTGACACCTCACTTCCTTTGCCCTTTTCCCAAGTTGTGACAGGCAGCTTTCCAGGGA-3'
Protein context (NP_003473.3, residues 4775-4795): EKGKGSEVSV[Met4785Thr]LTVSAAAAKN

ClinVar aggregate classification (germline): Likely benign (1 of 4 stars; one submission).

Conditions:
Kabuki syndrome 1 (KABUK1). Also called: KMT2D-Related Kabuki Syndrome. Identifiers: Orphanet 2322, MedGen CN030661, MONDO:0007843, OMIM 147920.

Allele frequency attached by ClinVar (database versions not stated): ExAC 0.00001.

Submission:

Victorian Clinical Genetics Services, Murdoch Childrens Research Institute
Classification: Likely benign for Kabuki syndrome 1. Last evaluated: 2022-02-02. Review status: criteria provided, single submitter. Criteria: ACMG Guidelines, 2015. Collection method: clinical testing. Allele origin: germline. Inheritance: Autosomal dominant inheritance. Affected: yes.
Comment: A heterozygous missense variant was identified, NM_003482.3(KMT2D):c.14354T>C in exon 45 of 54 of the KMT2D gene. This substitution is predicted to create a moderate amino acid change from methionine to threonine at position 4785 of the protein, NP_003473.3(KMT2D):p.(Met4785Thr). The methionine at this position has high conservation (100 vertebrates, UCSC), but is not situated in a known functional domain. In silico software predictions of the pathogenicity of this variant are conflicting (Polyphen, SIFT, CADD, Mutation Taster). The variant is present in the gnomAD population database at a frequency of 0.0004% (1 heterozygote, 0 homozygotes). This variant has not been previously reported in clinical cases. Based on information available at the time of curation, this variant has been classified as likely benign.